The following is an entry in ClinVar:

ClinVar aggregate classification (germline): Likely pathogenic. Review status: criteria provided, single submitter (1 of 4 stars). 2 submissions from 2 submitters: Likely pathogenic (1). 1 of the submissions does not count toward it. Last evaluated 2022-09-13.

Conditions:
Gordon syndrome (DA3). Also called: ARTHROGRYPOSIS MULTIPLEX CONGENITA, DISTAL, TYPE IIA; CAMPTODACTYLY, CLEFT PALATE, AND CLUBFOOT; Gordon's syndrome. Identifiers: Orphanet 376, MedGen C0220666, MONDO:0007252, OMIM 114300.

Submissions (2):

GeneDx
Classification: Likely pathogenic. Last evaluated: 2022-09-13. Review status: criteria provided, single submitter. Criteria: GeneDx Variant Classification Process June 2021. Collection method: clinical testing. Allele origin: germline. Affected: yes.
Comment: Not observed at significant frequency in large population cohorts (gnomAD); In silico analysis supports that this missense variant has a deleterious effect on protein structure/function; This variant is associated with the following publications: (PMID: 30285720, 24726473)

OMIM
Classification: Pathogenic for ARTHROGRYPOSIS, DISTAL, TYPE 3. Last evaluated: 2019-05-21. Review status: no assertion criteria provided. Collection method: literature only. Allele origin: germline. Not counted in ClinVar's aggregate classification.

Literature cited by the submitters: PubMed 30285720 (cited by OMIM).

NM_001378183.1(PIEZO2):c.8492G>A (p.Arg2831Gln)

Gene: PIEZO2 (piezo type mechanosensitive ion channel component 2; minus strand). Cytogenetic location: 18p11.22.
Variant type: single nucleotide variant.
Coding change: c.8492G>A on transcript NM_001378183.1 (MANE Select); coding-DNA position 8492, G replaced by A.
Protein change: p.Arg2831Gln; replaces arginine 2831 with glutamine.
Molecular consequence: missense variant.
Genome position (GRCh38, 1-based): chr18:10,671,633, C>T on the plus strand (G>A on the coding strand, the complement: PIEZO2 is on the minus strand). VCF-style: chr18-10671633-C-T. GRCh37 (hg19) VCF-style: chr18-10671630-C-T.
Other names: c.8153G>A, p.Arg2718Gln (NM_022068.4); c.8153G>A (NM_022068.2); short protein forms R2718Q, R2831Q.
Identifiers: ClinVar variation 631524 (VCV000631524.2), dbSNP rs587777452, ClinGen allele CA401911836.